The following is an entry in ClinVar:

NM_001352027.3(PHF21A):c.1872C>T (p.Arg624=)

Gene: PHF21A (PHD finger protein 21A; minus strand). Cytogenetic location: 11p11.2.
Variant type: single nucleotide variant.
Coding change: c.1872C>T on transcript NM_001352027.3 (MANE Select); coding-DNA position 1872, C replaced by T.
Protein change: p.Arg624=; no amino-acid change (arginine 624 retained).
Molecular consequence: synonymous variant. On other transcripts: non-coding transcript variant (2).
Genome position (GRCh38, 1-based): chr11:45,934,142, G>A on the plus strand (C>T on the coding strand, the complement: PHF21A is on the minus strand). VCF-style: chr11-45934142-G-A. GRCh37 (hg19) VCF-style: chr11-45955693-G-A.
Other names: c.1869C>T, p.Arg623= (NM_001101802.3); c.1872C>T, p.Arg624= (NM_001352025.3, NM_001352026.3); c.1731C>T, p.Arg577= (NM_001352028.1, NM_001352029.1, NM_016621.5); c.1728C>T, p.Arg576= (NM_001352030.3, NM_001352031.3, NM_001352032.3); c.1731C>T (NM_016621.3).
Identifiers: ClinVar variation 2979156 (VCV002979156.5), dbSNP rs112782705, ClinGen allele CA5960942.

ClinVar aggregate classification (germline): Likely benign. Review status: criteria provided, single submitter (1 of 4 stars). 2 submissions from 2 submitters: Likely benign (1). 1 of the submissions does not count toward it. Last evaluated 2023-02-11.

Conditions:
PHF21A-related disorder. Also called: PHF21A-related condition.

Allele frequency attached by ClinVar (database versions not stated): gnomAD exomes below 0.00001; ExAC 0.00001; gnomAD 0.00002; TOPMed 0.00002.
gnomAD v4.1: 8 of 1,614,124 alleles (0.0005%); highest among the groups gnomAD compares: African/African-American, 0.004%; no homozygotes.

Submissions (2):

Labcorp Genetics (formerly Invitae), Labcorp
Classification: Likely benign. Last evaluated: 2023-02-11. Review status: criteria provided, single submitter. Criteria: Invitae Variant Classification Sherloc (09022015). Collection method: clinical testing. Allele origin: germline.

PreventionGenetics, part of Exact Sciences
Classification: Likely benign for PHF21A-related condition. Last evaluated: 2022-07-11. Review status: no assertion criteria provided. Collection method: clinical testing. Allele origin: germline. Not counted in ClinVar's aggregate classification.
Comment: This variant is classified as likely benign based on ACMG/AMP sequence variant interpretation guidelines (Richards et al. 2015 PMID: 25741868, with internal and published modifications).